The following is an entry in ClinVar:

NM_006545.5(NPRL2):c.258C>G (p.Gly86=)

Gene: NPRL2 (NPR2 like, GATOR1 complex subunit; minus strand). Cytogenetic location: 3p21.31.
Variant type: single nucleotide variant.
Coding change: c.258C>G on transcript NM_006545.5 (MANE Select); coding-DNA position 258, C replaced by G.
Protein change: p.Gly86=; no amino-acid change (glycine 86 retained).
Molecular consequence: synonymous variant.
Genome position (GRCh38, 1-based): chr3:50,349,746, G>C on the plus strand (C>G on the coding strand, the complement: NPRL2 is on the minus strand). VCF-style: chr3-50349746-G-C. GRCh37 (hg19) VCF-style: chr3-50387177-G-C.
Identifiers: ClinVar variation 1697006 (VCV001697006.2), dbSNP rs771086596, ClinGen allele CA433865999.

ClinVar aggregate classification (germline): Uncertain significance (1 of 4 stars; one submission).

Submission:

GeneDx
Classification: Uncertain significance. Last evaluated: 2022-01-13. Review status: criteria provided, single submitter. Criteria: GeneDx Variant Classification Process June 2021. Collection method: clinical testing. Allele origin: germline. Affected: yes.
Comment: Not observed at significant frequency in large population cohorts (gnomAD); In silico analysis supports a deleterious effect on splicing; Has not been previously published as pathogenic or benign to our knowledge